The following is an entry in ClinVar:

ClinVar aggregate classification (germline): Likely pathogenic (1 of 4 stars; one submission).

Submission:

Labcorp Genetics (formerly Invitae), Labcorp
Classification: Likely pathogenic. Last evaluated: 2021-05-08. Review status: criteria provided, single submitter. Criteria: Invitae Variant Classification Sherloc (09022015). Collection method: clinical testing. Allele origin: germline.
Comment: Advanced modeling of protein sequence and biophysical properties (such as structural, functional, and spatial information, amino acid conservation, physicochemical variation, residue mobility, and thermodynamic stability) performed at Invitae indicates that this missense variant is expected to disrupt FH protein function. In summary, the currently available evidence indicates that the variant is pathogenic, but additional data are needed to prove that conclusively. Therefore, this variant has been classified as Likely Pathogenic. This variant has been observed in individual(s) with clinical features of hereditary leiomyomatosis and renal cell carcinoma (Invitae). This variant is not present in population databases (ExAC no frequency). This sequence change replaces proline with arginine at codon 177 of the FH protein (p.Pro177Arg). The proline residue is highly conserved and there is a moderate physicochemical difference between proline and arginine.

NM_000143.4(FH):c.530C>G (p.Pro177Arg)

Gene: FH (fumarate hydratase; minus strand). Cytogenetic location: 1q43.
Variant type: single nucleotide variant.
Coding change: c.530C>G on transcript NM_000143.4 (MANE Select); coding-DNA position 530, C replaced by G.
Protein change: p.Pro177Arg; replaces proline 177 with arginine.
Molecular consequence: missense variant.
Genome position (GRCh38, 1-based): chr1:241,511,992, G>C on the plus strand (C>G on the coding strand, the complement: FH is on the minus strand). VCF-style: chr1-241511992-G-C. GRCh37 (hg19) VCF-style: chr1-241675292-G-C.
Other names: short protein forms P177R.
Identifiers: ClinVar variation 1485377 (VCV001485377.8), dbSNP rs2147921795, ClinGen allele CA345439896.